The following is an entry in ClinVar:

NM_176787.5(PIGN):c.554del (p.Phe185fs)

Gene: PIGN (phosphatidylinositol glycan anchor biosynthesis class N; minus strand). Cytogenetic location: 18q21.33.
Variant type: Deletion.
Coding change: c.554del on transcript NM_176787.5 (MANE Select); coding-DNA position 554, one base deleted (T; older notation c.554delT).
Protein change: p.Phe185fs; shifts the reading frame from phenylalanine 185.
Molecular consequence: frameshift variant.
Genome position (GRCh38, 1-based): chr18:62,148,334, A deleted on the plus strand (T on the coding strand, the reverse complement: PIGN is on the minus strand); the first of 2 consecutive A bases (chr18:62,148,334-62,148,335); deleting either gives the same sequence. VCF-style (leftmost placement, unchanged base first): chr18-62148333-GA-G. GRCh37 (hg19) VCF-style: chr18-59815566-GA-G.
Other names: c.554del, p.Phe185fs (NM_001438896.1, NM_001438904.1, NM_001438905.1 and 2 more transcripts); short protein forms F185fs.
Identifiers: ClinVar variation 4796959 (VCV004796959.1).

ClinVar aggregate classification (germline): Pathogenic (1 of 4 stars; one submission).

Conditions:
Multiple congenital anomalies-hypotonia-seizures syndrome 1 (MCAHS1). Also called: GLYCOSYLPHOSPHATIDYLINOSITOL BIOSYNTHESIS DEFECT 3; PIGN-CDG; Congenital disorder of glycosylation due to PIGN deficiency. Identifiers: Orphanet 280633, MedGen C3279775, MONDO:0013563, OMIM 614080.

Submission:

Labcorp Genetics (formerly Invitae), Labcorp
Classification: Pathogenic for Multiple congenital anomalies-hypotonia-seizures syndrome 1. Last evaluated: 2026-01-05. Review status: criteria provided, single submitter. Criteria: Invitae Variant Classification Sherloc (09022015). Collection method: clinical testing. Allele origin: germline.
Comment: This sequence change creates a premature translational stop signal (p.Phe185Serfs*15) in the PIGN gene. It is expected to result in an absent or disrupted protein product. Loss-of-function variants in PIGN are known to be pathogenic (PMID: 24253414, 27038415). This variant is not present in population databases (gnomAD no frequency). This variant has not been reported in the literature in individuals affected with PIGN-related conditions. For these reasons, this variant has been classified as Pathogenic.

Literature cited by the submitters: PubMed 24253414; PubMed 27038415.